The following is an entry in ClinVar:

NM_015443.4(KANSL1):c.623G>A (p.Cys208Tyr)

Gene: KANSL1 (KAT8 regulatory NSL complex subunit 1). Cytogenetic location: 17q21.31.
Variant type: single nucleotide variant.
Coding change: c.623G>A on transcript NM_015443.4 (MANE Select); coding-DNA position 623, G replaced by A.
Protein change: p.Cys208Tyr; replaces cysteine 208 with tyrosine.
Molecular consequence: missense variant.
Genome position (GRCh38, 1-based): chr17:46,171,521, C>T on the plus strand (G>A on the coding strand, the complement: KANSL1 is on the minus strand). VCF-style: chr17-46171521-C-T. GRCh37 (hg19) VCF-style: chr17-44248887-C-T.
Other names: c.623G>A, p.Cys208Tyr (NM_001193465.2, NM_001193466.2, NM_001379198.1); short protein forms C208Y.
Identifiers: ClinVar variation 1446661 (VCV001446661.5), dbSNP rs762448559, ClinGen allele CA8619012.

ClinVar aggregate classification (germline): Uncertain significance (1 of 4 stars; one submission).

Conditions:
Koolen-de Vries syndrome (KDVS). Identifiers: Orphanet 96169, MedGen C1864871, MONDO:0012496, OMIM 610443.

Allele frequency attached by ClinVar (database versions not stated): gnomAD exomes below 0.00001 and 0.00001; ExAC 0.00001.
gnomAD v4.1: 4 of 1,613,828 alleles (0.00025%); highest among the groups gnomAD compares: South Asian, 0.0044%; no homozygotes.

Submission:

Labcorp Genetics (formerly Invitae), Labcorp
Classification: Uncertain significance for Koolen-de Vries syndrome. Last evaluated: 2021-09-17. Review status: criteria provided, single submitter. Criteria: Invitae Variant Classification Sherloc (09022015). Collection method: clinical testing. Allele origin: germline.
Comment: Due to the possible presence of a polymorphic segmental duplication, the location of the variant could not be unambiguously resolved. Variants with ambiguous mapping are still reported relative to the KANSL1 transcript. This sequence change replaces cysteine with tyrosine at codon 208 of the KANSL1 protein (p.Cys208Tyr). The cysteine residue is highly conserved and there is a large physicochemical difference between cysteine and tyrosine. The frequency data for this variant in the population databases is considered unreliable, as metrics indicate poor data quality at this position in the ExAC database. This variant has not been reported in the literature in individuals with KANSL1-related conditions. Algorithms developed to predict the effect of missense changes on protein structure and function are either unavailable or do not agree on the potential impact of this missense change (SIFT: "Deleterious"; PolyPhen-2: "Probably Damaging"; Align-GVGD: "Class C0"). Until the location of this sequence change can be resolved, the clinical significance of this variant remains uncertain. It has been classified as a Variant of Uncertain Significance.